The following is an entry in ClinVar:

NM_002637.4(PHKA1):c.1740A>G (p.Ser580=)

Gene: PHKA1 (phosphorylase kinase regulatory subunit alpha 1; minus strand). Cytogenetic location: Xq13.1.
Variant type: single nucleotide variant.
Coding change: c.1740A>G on transcript NM_002637.4 (MANE Select); coding-DNA position 1740, A replaced by G.
Protein change: p.Ser580=; no amino-acid change (serine 580 retained).
Molecular consequence: synonymous variant.
Genome position (GRCh38, 1-based): chrX:72,627,024, T>C on the plus strand (A>G on the coding strand, the complement: PHKA1 is on the minus strand). VCF-style: chrX-72627024-T-C. GRCh37 (hg19) VCF-style: chrX-71846874-T-C.
Other names: c.1740A>G, p.Ser580= (NM_001122670.2, NM_001172436.2).
Identifiers: ClinVar variation 682471 (VCV000682471.6), dbSNP rs143064948, ClinGen allele CA10450821.

ClinVar aggregate classification (germline): Benign/Likely benign. Review status: criteria provided, multiple submitters, no conflicts (2 of 4 stars). 2 submissions from 2 submitters: Benign (1); Likely benign (1). Last evaluated 2026-01-16.

Conditions:
Glycogen storage disease IXd (GSD9D). Also called: Muscle Phosphorylase Kinase Deficiency; GSD IXd. Identifiers: Orphanet 715, MedGen C1845151, MONDO:0010362, OMIM 300559.

Allele frequency attached by ClinVar (database versions not stated): gnomAD exomes 0.00002 and 0.00010; ExAC 0.00014; TOPMed 0.00041; gnomAD 0.00045 and 0.00047; ESP Exome Variant Server 0.00066.
gnomAD v4.1: 74 of 1,207,462 alleles (0.0061%); highest among the groups gnomAD compares: African/African-American, 0.12%; no homozygotes.

Submissions (2):

Labcorp Genetics (formerly Invitae), Labcorp
Classification: Benign for Glycogen storage disease IXd. Last evaluated: 2026-01-16. Review status: criteria provided, single submitter. Criteria: Invitae Variant Classification Sherloc (09022015). Collection method: clinical testing. Allele origin: germline.

GeneDx
Classification: Likely benign. Last evaluated: 2018-04-27. Review status: criteria provided, single submitter. Criteria: GeneDx Variant Classification (06012015). Collection method: clinical testing. Allele origin: germline. Affected: yes.
Comment: This variant is considered likely benign or benign based on one or more of the following criteria: it is a conservative change, it occurs at a poorly conserved position in the protein, it is predicted to be benign by multiple in silico algorithms, and/or has population frequency not consistent with disease.